The following is an entry in ClinVar:

NM_000666.3(ACY1):c.626G>A (p.Arg209His)

Genes: ABHD14A-ACY1 (ABHD14A-ACY1 readthrough; plus strand), ACY1 (aminoacylase 1; plus strand). Cytogenetic location: 3p21.2.
Variant type: single nucleotide variant.
Coding change: c.626G>A on transcript NM_000666.3 (MANE Select); coding-DNA position 626, G replaced by A.
Protein change: p.Arg209His; replaces arginine 209 with histidine.
Molecular consequence: missense variant.
Genome position (GRCh38, 1-based): chr3:51,987,030, G>A. VCF-style: chr3-51987030-G-A. GRCh37 (hg19) VCF-style: chr3-52021046-G-A.
Other names: c.896G>A, p.Arg299His (NM_001316331.2); c.626G>A, p.Arg209His (NM_001198895.2, NM_001198897.2); c.410G>A, p.Arg137His (NM_001198896.2); c.521G>A, p.Arg174His (NM_001198898.2); short protein forms R137H, R174H, R209H, R299H.
Identifiers: ClinVar variation 2574268 (VCV002574268.1), dbSNP rs772917167, ClinGen allele CA2428572.
Genomic context (GRCh38, chr3:51,987,030, plus strand): 5'-CCCCCTACACCTCCCCAGGGGTGCGGGTTACCAGCACTGGGAGGCCAGGCCATGCCTCAC[G>A]CTTCATGGAGGACACAGCAGCAGAGAAGCTGGTACGTGGCACCCCAGGAGGGAGTCTGGG-3'
Protein context (NP_000657.1, residues 199-219): TSTGRPGHAS[Arg209His]FMEDTAAEKL

ClinVar aggregate classification (germline): Uncertain significance (1 of 4 stars; one submission).

Allele frequency attached by ClinVar (database versions not stated): gnomAD exomes below 0.00001; ExAC 0.00001; TOPMed 0.00001; gnomAD 0.00002.

Submission:

GeneDx
Classification: Uncertain significance. Last evaluated: 2023-01-31. Review status: criteria provided, single submitter. Criteria: GeneDx Variant Classification Process June 2021. Collection method: clinical testing. Allele origin: germline. Affected: yes.
Comment: In silico analysis supports that this missense variant has a deleterious effect on protein structure/function; Has not been previously published as pathogenic or benign to our knowledge